The following is an entry in ClinVar:

NM_021930.6(RINT1):c.1408G>A (p.Val470Met)

Gene: RINT1 (RAD50 interactor 1; plus strand). Cytogenetic location: 7q22.3.
Variant type: single nucleotide variant.
Coding change: c.1408G>A on transcript NM_021930.6 (MANE Select); coding-DNA position 1408, G replaced by A.
Protein change: p.Val470Met; replaces valine 470 with methionine.
Molecular consequence: missense variant. On other transcripts: non-coding transcript variant (1).
Genome position (GRCh38, 1-based): chr7:105,551,644, G>A. VCF-style: chr7-105551644-G-A. GRCh37 (hg19) VCF-style: chr7-105192091-G-A.
Other names: c.1174G>A, p.Val392Met (NM_001346599.2); c.385G>A, p.Val129Met (NM_001346600.2, NM_001346603.2); c.484G>A, p.Val162Met (NM_001346601.2); short protein forms V129M, V162M, V392M, V470M.
Identifiers: ClinVar variation 1771955 (VCV001771955.2), dbSNP rs755218444, ClinGen allele CA368810171.

ClinVar aggregate classification (germline): Uncertain significance (1 of 4 stars; one submission).

gnomAD v4.1: 3 of 1,612,370 alleles (0.00019%); highest among the groups gnomAD compares: Non-Finnish European, 0.00025%; no homozygotes.

Submission:

Ambry Genetics
Classification: Uncertain significance. Last evaluated: 2024-03-19. Review status: criteria provided, single submitter. Criteria: Ambry Variant Classification Scheme 2023. Collection method: clinical testing. Allele origin: germline.
Comment: The p.V470M variant (also known as c.1408G>A), located in coding exon 10 of the RINT1 gene, results from a G to A substitution at nucleotide position 1408. The valine at codon 470 is replaced by methionine, an amino acid with highly similar properties. This amino acid position is well conserved in available vertebrate species. In addition, this alteration is predicted to be tolerated by in silico analysis. Since supporting evidence is limited at this time, the clinical significance of this alteration remains unclear.